The following is an entry in ClinVar:

NM_001371986.1(UNC80):c.3143A>G (p.Gln1048Arg)

Gene: UNC80 (unc-80 subunit of NALCN channel complex; plus strand). Cytogenetic location: 2q34.
Variant type: single nucleotide variant.
Coding change: c.3143A>G on transcript NM_001371986.1 (MANE Select); coding-DNA position 3143, A replaced by G.
Protein change: p.Gln1048Arg; replaces glutamine 1048 with arginine.
Molecular consequence: missense variant.
Genome position (GRCh38, 1-based): chr2:209,839,323, A>G. VCF-style: chr2-209839323-A-G. GRCh37 (hg19) VCF-style: chr2-210704047-A-G.
Other names: c.3143A>G, p.Gln1048Arg (NM_032504.2); c.3128A>G, p.Gln1043Arg (NM_182587.4); c.3143A>G (NM_032504.1); short protein forms Q1043R, Q1048R.
Identifiers: ClinVar variation 1905709 (VCV001905709.6), dbSNP rs1365602217, ClinGen allele CA350412284.
Genomic context (GRCh38, chr2:209,839,323, plus strand): 5'-TCTGGCGTAAGATGTTCAAGTCCCAGAGTGCAGCAAGTGACACCAGCAGCCAGTCTGAAC[A>G]GGACACTTCAGAATGCACGACTGCCCACTCAGGGACCACCTCTGACCGACGTGCCCGCTC-3'
Protein context (NP_001358915.1, residues 1038-1058): AASDTSSQSE[Gln1048Arg]DTSECTTAHS

ClinVar aggregate classification (germline): Uncertain significance. Review status: criteria provided, multiple submitters, no conflicts (2 of 4 stars). 2 submissions from 2 submitters: Uncertain significance (2). Last evaluated 2025-10-22.

Conditions:
Inborn genetic diseases. Identifiers: MedGen C0950123, MeSH D030342.

Allele frequency attached by ClinVar (database versions not stated): gnomAD 0.00001; gnomAD exomes 0.00001; TOPMed 0.00001.
gnomAD v4.1: 16 of 1,551,700 alleles (0.001%); highest among the groups gnomAD compares: Non-Finnish European, 0.0014%; no homozygotes.

Submissions (2):

Ambry Genetics
Classification: Uncertain significance for Inborn genetic diseases. Last evaluated: 2025-10-22. Review status: criteria provided, single submitter. Criteria: Ambry Variant Classification Scheme 2023. Collection method: clinical testing. Allele origin: germline.

Labcorp Genetics (formerly Invitae), Labcorp
Classification: Uncertain significance. Last evaluated: 2022-06-21. Review status: criteria provided, single submitter. Criteria: Invitae Variant Classification Sherloc (09022015). Collection method: clinical testing. Allele origin: germline.
Comment: This variant has not been reported in the literature in individuals affected with UNC80-related conditions. In summary, the available evidence is currently insufficient to determine the role of this variant in disease. Therefore, it has been classified as a Variant of Uncertain Significance. Algorithms developed to predict the effect of missense changes on protein structure and function are either unavailable or do not agree on the potential impact of this missense change (SIFT: "Not Available"; PolyPhen-2: "Benign"; Align-GVGD: "Not Available"). This variant is present in population databases (no rsID available, gnomAD 0.002%). This sequence change replaces glutamine, which is neutral and polar, with arginine, which is basic and polar, at codon 1048 of the UNC80 protein (p.Gln1048Arg).